The following is an entry in ClinVar:

NM_017763.6(RNF43):c.1941C>T (p.Leu647=)

Gene: RNF43 (ring finger protein 43; minus strand). Cytogenetic location: 17q22.
Variant type: single nucleotide variant.
Coding change: c.1941C>T on transcript NM_017763.6 (MANE Select); coding-DNA position 1941, C replaced by T.
Protein change: p.Leu647=; no amino-acid change (leucine 647 retained).
Molecular consequence: synonymous variant.
Genome position (GRCh38, 1-based): chr17:58,357,835, G>A on the plus strand (C>T on the coding strand, the complement: RNF43 is on the minus strand). VCF-style: chr17-58357835-G-A. GRCh37 (hg19) VCF-style: chr17-56435196-G-A.
Other names: c.1941C>T, p.Leu647= (NM_001305544.3); c.1560C>T, p.Leu520= (NM_001305545.2).
Identifiers: ClinVar variation 3789922 (VCV003789922.2).

ClinVar aggregate classification (germline): Benign/Likely benign. Review status: criteria provided, multiple submitters, no conflicts (2 of 4 stars). 2 submissions from 2 submitters: Benign (1); Likely benign (1). Last evaluated 2026-07-02.

Conditions:
Sessile serrated polyposis cancer syndrome (SSPCS). Identifiers: Orphanet 157798, MedGen C4310714, MONDO:0014919, OMIM 617108.

Submissions (2):

Myriad Genetics, Inc.
Classification: Benign for Sessile serrated polyposis cancer syndrome. Last evaluated: 2026-07-02. Review status: criteria provided, single submitter. Criteria: Myriad Autosomal Dominant, Autosomal Recessive and X-Linked Classification Criteria (2023). Collection method: clinical testing. Allele origin: unknown.
Comment: This variant is considered benign. This variant is a silent/synonymous amino acid change and it is not expected to impact splicing.

Ambry Genetics
Classification: Likely benign. Last evaluated: 2025-01-31. Review status: criteria provided, single submitter. Criteria: Ambry Variant Classification Scheme 2023. Collection method: clinical testing. Allele origin: germline.